The following is an entry in ClinVar:

ClinVar aggregate classification (germline): Uncertain significance (1 of 4 stars; one submission).

gnomAD v4.1: 1 of 1,541,970 alleles (0.000065%); highest among the groups gnomAD compares: East Asian, 0.0025%; no homozygotes.

Submission:

CeGaT Center for Human Genetics Tuebingen
Classification: Uncertain significance. Last evaluated: 2026-06-01. Review status: criteria provided, single submitter. Criteria: CeGaT Center For Human Genetics Tuebingen Variant Classification Criteria Version 2. Collection method: clinical testing. Allele origin: germline. Affected: yes. Observed: 1 variant allele.
Comment: CUX1: PM2, PP2

NM_181552.4(CUX1):c.3454A>T (p.Thr1152Ser)

Gene: CUX1 (cut like homeobox 1; plus strand). Cytogenetic location: 7q22.1.
Variant type: single nucleotide variant.
Coding change: c.3454A>T on transcript NM_181552.4 (MANE Select); coding-DNA position 3454, A replaced by T.
Protein change: p.Thr1152Ser; replaces threonine 1152 with serine.
Molecular consequence: missense variant. On other transcripts: intron variant (5).
Genome position (GRCh38, 1-based): chr7:102,234,072, A>T. VCF-style: chr7-102234072-A-T. GRCh37 (hg19) VCF-style: chr7-101877352-A-T.
Other names: c.3487A>T, p.Thr1163Ser (NM_001202543.2); c.1255+38469A>T (NM_001913.5); c.1249+38469A>T (NM_181500.4); c.1117+38469A>T (NM_001202545.3); c.1207+38469A>T (NM_001202544.3); c.1138+38469A>T (NM_001202546.3); short protein forms T1152S, T1163S.
Identifiers: ClinVar variation 4875274 (VCV004875274.2).